The following is an entry in ClinVar:

ClinVar aggregate classification (germline): Uncertain significance (1 of 4 stars; one submission).

gnomAD v4.1: 3 of 1,613,996 alleles (0.00019%); highest among the groups gnomAD compares: Non-Finnish European, 0.00025%; no homozygotes.

Submission:

Labcorp Genetics (formerly Invitae), Labcorp
Classification: Uncertain significance. Last evaluated: 2024-06-17. Review status: criteria provided, single submitter. Criteria: Invitae Variant Classification Sherloc (09022015). Collection method: clinical testing. Allele origin: germline.
Comment: This sequence change replaces valine, which is neutral and non-polar, with alanine, which is neutral and non-polar, at codon 882 of the SIN3A protein (p.Val882Ala). This variant is not present in population databases (gnomAD no frequency). This variant has not been reported in the literature in individuals affected with SIN3A-related conditions. Advanced modeling of protein sequence and biophysical properties (such as structural, functional, and spatial information, amino acid conservation, physicochemical variation, residue mobility, and thermodynamic stability) performed at Invitae indicates that this missense variant is not expected to disrupt SIN3A protein function with a negative predictive value of 80%. In summary, the available evidence is currently insufficient to determine the role of this variant in disease. Therefore, it has been classified as a Variant of Uncertain Significance.

NM_001145358.2(SIN3A):c.2645T>C (p.Val882Ala)

Gene: SIN3A (SIN3 transcription regulator family member A; minus strand). Cytogenetic location: 15q24.2.
Variant type: single nucleotide variant.
Coding change: c.2645T>C on transcript NM_001145358.2 (MANE Select); coding-DNA position 2645, T replaced by C.
Protein change: p.Val882Ala; replaces valine 882 with alanine.
Molecular consequence: missense variant.
Genome position (GRCh38, 1-based): chr15:75,392,448, A>G on the plus strand (T>C on the coding strand, the complement: SIN3A is on the minus strand). VCF-style: chr15-75392448-A-G. GRCh37 (hg19) VCF-style: chr15-75684789-A-G.
Other names: c.2645T>C, p.Val882Ala (NM_001145357.2, NM_015477.3); short protein forms V882A.
Identifiers: ClinVar variation 3719505 (VCV003719505.2).